The following is an entry in ClinVar:

NM_000059.4(BRCA2):c.8842del (p.Ile2948fs)

Gene: BRCA2 (BRCA2 DNA repair associated; plus strand). Cytogenetic location: 13q13.1.
Variant type: Deletion.
Coding change: c.8842del on transcript NM_000059.4 (MANE Select); coding-DNA position 8842, one base deleted (A; older notation c.8842delA).
Protein change: p.Ile2948fs; shifts the reading frame from isoleucine 2948.
Molecular consequence: frameshift variant.
Genome position (GRCh38, 1-based): chr13:32,379,404, A deleted; the last of 3 consecutive A bases (chr13:32,379,402-32,379,404); deleting any one gives the same sequence. VCF-style (leftmost placement, unchanged base first): chr13-32379401-GA-G. GRCh37 (hg19) VCF-style: chr13-32953538-GA-G.
Other names: c.8842delA (NM_000059.3); short protein forms I2948fs.
Identifiers: ClinVar variation 52689 (VCV000052689.4), dbSNP rs397508014, ClinGen allele CA025847.

ClinVar aggregate classification (germline): Pathogenic. Review status: reviewed by expert panel (3 of 4 stars). 3 submissions from 3 submitters: Pathogenic (1). 2 of the submissions do not count toward it. Last evaluated 2017-12-15.

Conditions:
Hereditary cancer-predisposing syndrome. Also called: Hereditary Cancer Syndrome; Hereditary neoplastic syndrome; Neoplastic Syndromes, Hereditary; Tumor predisposition. Identifiers: Orphanet 140162, MedGen C0027672, MeSH D009386, MONDO:0015356.
Hereditary breast ovarian cancer syndrome. Also called: Hereditary breast and ovarian cancer syndrome (HBOC); Hereditary breast and ovarian cancer syndrome; Hereditary breast and/or ovarian cancer syndrome; Breast and ovarian cancer; BRCA1- and BRCA2-Associated Hereditary Breast and Ovarian Cancer; Hereditary breast and ovarian cancer. Identifiers: Orphanet 145, MedGen C0677776, MeSH D061325, MONDO:0003582. Disease mechanism: loss of function.
Breast-ovarian cancer, familial, susceptibility to, 2 (BROVCA2). Also called: BRCA2 Hereditary Breast and Ovarian Cancer. Identifiers: Orphanet 145, MedGen C2675520, MONDO:0012933, OMIM 612555. Disease mechanism: loss of function.

Submissions (3):

Evidence-based Network for the Interpretation of Germline Mutant Alleles (ENIGMA)
Classification: Pathogenic for Breast-ovarian cancer, familial, susceptibility to, 2. Last evaluated: 2017-12-15. Review status: reviewed by expert panel. Criteria: ENIGMA BRCA1/2 Classification Criteria (2017-06-29). Collection method: curation. Allele origin: germline. Study: ENIGMA.
Comment: Variant allele predicted to encode a truncated non-functional protein.

Ambry Genetics
Classification: Pathogenic for Hereditary cancer-predisposing syndrome. Last evaluated: 2026-02-09. Review status: criteria provided, single submitter. Criteria: Ambry Variant Classification Scheme 2023. Collection method: clinical testing. Allele origin: germline. Not counted in ClinVar's aggregate classification.
Comment: The c.8842delA pathogenic mutation, located in coding exon 21 of the BRCA2 gene, results from a deletion of one nucleotide at nucleotide position 8842, causing a translational frameshift with a predicted alternate stop codon (p.I2948Lfs*28). This variant is considered to be rare based on population cohorts in the Genome Aggregation Database (gnomAD). This alteration is expected to result in loss of function by premature protein truncation or nonsense-mediated mRNA decay. As such, this alteration is interpreted as a disease-causing mutation.

Research Molecular Genetics Laboratory, Women's College Hospital, University of Toronto
Classification: Pathogenic for Hereditary breast ovarian cancer syndrome. Last evaluated: 2014-01-31. Review status: no assertion criteria provided. Collection method: research. Allele origin: germline. Affected: yes. Study: The Canadian Open Genetics Repository (COGR). Not counted in ClinVar's aggregate classification.